The following is an entry in ClinVar:

NM_007294.4(BRCA1):c.5509T>A (p.Trp1837Arg)

Gene: BRCA1 (BRCA1 DNA repair associated; minus strand). Cytogenetic location: 17q21.31.
Variant type: single nucleotide variant.
Coding change: c.5509T>A on transcript NM_007294.4 (MANE Select); coding-DNA position 5509, T replaced by A.
Protein change: p.Trp1837Arg; replaces tryptophan 1837 with arginine.
Molecular consequence: missense variant. On other transcripts: 3 prime UTR variant (1), non-coding transcript variant (1).
Genome position (GRCh38, 1-based): chr17:43,045,761, A>T on the plus strand (T>A on the coding strand, the complement: BRCA1 is on the minus strand). VCF-style: chr17-43045761-A-T. GRCh37 (hg19) VCF-style: chr17-41197778-A-T.
Other names: c.5296T>A, p.Trp1766Arg (NM_001407571.1, NM_001407894.1, NM_001407895.1 and 12 more transcripts); c.5575T>A, p.Trp1859Arg (NM_001407581.1, NM_001407582.1); c.5572T>A, p.Trp1858Arg (NM_001407583.1, NM_001407585.1, NM_001407587.1 and 1 more transcripts); c.5569T>A, p.Trp1857Arg (NM_001407590.1, NM_001407591.1); c.5509T>A, p.Trp1837Arg (NM_001407593.1, NM_001407594.1, NM_001407596.1 and 5 more transcripts); c.5506T>A, p.Trp1836Arg (NM_001407610.1, NM_001407611.1, NM_001407612.1 and 14 more transcripts); c.5503T>A, p.Trp1835Arg (NM_001407628.1, NM_001407629.1, NM_001407630.1 and 13 more transcripts); c.5452T>A, p.Trp1818Arg (NM_001407648.1); and 74 more; short protein forms W1790R, W733R, W1837R, W1858R, W1540R, W1708R, W1725R, W1747R.
Identifiers: ClinVar variation 853483 (VCV000853483.14), dbSNP rs80356959, ClinGen allele CA10590297.

ClinVar aggregate classification (germline): Pathogenic/Likely pathogenic. Review status: criteria provided, multiple submitters, no conflicts (2 of 4 stars). 2 submissions from 2 submitters: Pathogenic (1); Likely pathogenic (1). Last evaluated 2024-02-23.

Conditions:
Hereditary breast ovarian cancer syndrome. Also called: Hereditary breast and/or ovarian cancer syndrome; BRCA1- and BRCA2-Associated Hereditary Breast and Ovarian Cancer; Hereditary breast and ovarian cancer syndrome; Hereditary breast and ovarian cancer; Hereditary breast and ovarian cancer syndrome (HBOC); Breast and ovarian cancer. Identifiers: Orphanet 145, MedGen C0677776, MeSH D061325, MONDO:0003582. Disease mechanism: loss of function.

Submissions (3):

Labcorp Genetics (formerly Invitae), Labcorp
Classification: Pathogenic for Hereditary breast ovarian cancer syndrome. Last evaluated: 2024-02-23. Review status: criteria provided, single submitter. Criteria: Invitae Variant Classification Sherloc (09022015). Collection method: clinical testing. Allele origin: germline.
Comment: This sequence change replaces tryptophan, which is neutral and slightly polar, with arginine, which is basic and polar, at codon 1837 of the BRCA1 protein (p.Trp1837Arg). This variant is not present in population databases (gnomAD no frequency). A different variant (c.5509T>C) giving rise to the same protein effect has been determined to be pathogenic (PMID: 8968102, 15689452, 17305420, 20516115, 23867111; Invitae). This suggests that this variant is also likely to be causative of disease. ClinVar contains an entry for this variant (Variation ID: 853483). Advanced modeling performed at Invitae incorporating data from internal and/or published experimental studies (PMID: 30209399) indicates that this missense variant is expected to disrupt BRCA1 function with a positive predictive value of 95%. Experimental studies have shown that this missense change affects BRCA1 function (PMID: 30209399). For these reasons, this variant has been classified as Pathogenic.

Clinical Genetics Laboratory, Skane University Hospital Lund
Classification: Likely pathogenic. Last evaluated: 2022-05-27. Review status: criteria provided, single submitter. Criteria: ACMG Guidelines, 2015. Collection method: clinical testing. Allele origin: germline. Affected: yes.

Brotman Baty Institute, University of Washington
No classification provided (evidence only). Condition: Breast-ovarian cancer, familial 1. Review status: no classification provided. Collection method: in vitro. Allele origin: not applicable. Functional consequence: functionally_abnormal. Not counted in ClinVar's aggregate classification.
ClinVar note: "not provided" was previously submitted as the classification for the variant. However, the classification appeared to be based only on an observation of functional data so it was converted to no classification on 2025-07-30.

Literature cited by the submitters: PubMed 8968102 (cited by Labcorp Genetics (formerly Invitae), Labcorp); PubMed 15689452 (cited by Labcorp Genetics (formerly Invitae), Labcorp); PubMed 17305420 (cited by Labcorp Genetics (formerly Invitae), Labcorp); PubMed 20516115 (cited by Labcorp Genetics (formerly Invitae), Labcorp); PubMed 23867111 (cited by Labcorp Genetics (formerly Invitae), Labcorp); PubMed 30209399 (cited by Labcorp Genetics (formerly Invitae), Labcorp).